The following is an entry in ClinVar:

NM_032656.4(DHX37):c.796G>T (p.Ala266Ser)

Gene: DHX37 (DEAH-box helicase 37; minus strand). Cytogenetic location: 12q24.31.
Variant type: single nucleotide variant.
Coding change: c.796G>T on transcript NM_032656.4 (MANE Select); coding-DNA position 796, G replaced by T.
Protein change: p.Ala266Ser; replaces alanine 266 with serine.
Molecular consequence: missense variant.
Genome position (GRCh38, 1-based): chr12:124,977,433, C>A on the plus strand (G>T on the coding strand, the complement: DHX37 is on the minus strand). VCF-style: chr12-124977433-C-A. GRCh37 (hg19) VCF-style: chr12-125461979-C-A.
Other names: short protein forms A266S.
Identifiers: ClinVar variation 4975426 (VCV004975426.1).

ClinVar aggregate classification (germline): Uncertain significance (1 of 4 stars; one submission).

Submission:

GeneDx
Classification: Uncertain significance. Last evaluated: 2026-01-22. Review status: criteria provided, single submitter. Criteria: GeneDx Variant Classification Process June 2021. Collection method: clinical testing. Allele origin: germline.
Comment: Not observed at significant frequency in large population cohorts (gnomAD); In silico analysis suggests that this missense variant does not alter protein structure/function; Has not been previously published as pathogenic or benign to our knowledge